The following is an entry in ClinVar:

ClinVar aggregate classification (germline): Likely benign. Review status: criteria provided, multiple submitters, no conflicts (2 of 4 stars). 3 submissions from 3 submitters: Likely benign (2). 1 of the submissions does not count toward it. Last evaluated 2025-04-14.

Conditions:
USH2A-related disorder. Also called: USH2A-related condition; USH2A-related disorders. Identifiers: MedGen CN239332.

Allele frequency attached by ClinVar (database versions not stated): TOPMed 0.00002; gnomAD 0.00005.
gnomAD v4.1: 38 of 1,614,006 alleles (0.0024%); highest among the groups gnomAD compares: Admixed American, 0.005%; no homozygotes.

Submissions (3):

Labcorp Genetics (formerly Invitae), Labcorp
Classification: Likely benign. Last evaluated: 2025-04-14. Review status: criteria provided, single submitter. Criteria: Invitae Variant Classification Sherloc (09022015). Collection method: clinical testing. Allele origin: germline.

Blueprint Genetics
Classification: Likely benign. Last evaluated: 2022-10-26. Review status: criteria provided, single submitter. Criteria: ACMG Guidelines, 2015. Collection method: clinical testing. Allele origin: germline.

PreventionGenetics, part of Exact Sciences
Classification: Likely benign for USH2A-related condition. Last evaluated: 2019-11-06. Review status: no assertion criteria provided. Collection method: clinical testing. Allele origin: germline. Not counted in ClinVar's aggregate classification.
Comment: This variant is classified as likely benign based on ACMG/AMP sequence variant interpretation guidelines (Richards et al. 2015 PMID: 25741868, with internal and published modifications).

NM_206933.4(USH2A):c.14292C>T (p.Ile4764=)

Gene: USH2A (usherin; minus strand). Cytogenetic location: 1q41.
Variant type: single nucleotide variant.
Coding change: c.14292C>T on transcript NM_206933.4 (MANE Select); coding-DNA position 14292, C replaced by T.
Protein change: p.Ile4764=; no amino-acid change (isoleucine 4764 retained).
Molecular consequence: synonymous variant.
Genome position (GRCh38, 1-based): chr1:215,650,643, G>A on the plus strand (C>T on the coding strand, the complement: USH2A is on the minus strand). VCF-style: chr1-215650643-G-A. GRCh37 (hg19) VCF-style: chr1-215823985-G-A.
Other names: c.14292C>T (NM_206933.2).
Identifiers: ClinVar variation 1103387 (VCV001103387.12), dbSNP rs751883676, ClinGen allele CA1393069.